The following is an entry in ClinVar:

ClinVar aggregate classification (germline): Likely benign (0 of 4 stars; one submission).

Conditions:
CTNND1-related disorder. Also called: CTNND1-related condition.

Allele frequency attached by ClinVar (database versions not stated): gnomAD exomes 0.00006; ESP Exome Variant Server 0.00008; ExAC 0.00016; 1000 Genomes Project 30x 0.00031; 1000 Genomes Project 0.00040; gnomAD 0.00068; TOPMed 0.00085.
gnomAD v4.1: 189 of 1,473,022 alleles (0.013%); highest among the groups gnomAD compares: African/African-American, 0.23%; no homozygotes.

Submission:

PreventionGenetics, part of Exact Sciences
Classification: Likely benign for CTNND1-related condition. Last evaluated: 2019-06-20. Review status: no assertion criteria provided. Collection method: clinical testing. Allele origin: germline.
Comment: This variant is classified as likely benign based on ACMG/AMP sequence variant interpretation guidelines (Richards et al. 2015 PMID: 25741868, with internal and published modifications).

NM_001085458.2(CTNND1):c.942T>A (p.Pro314=)

Genes: CTNND1 (catenin delta 1; plus strand), TMX2-CTNND1 (TMX2-CTNND1 readthrough (NMD candidate); plus strand). Cytogenetic location: 11q12.1.
Variant type: single nucleotide variant.
Coding change: c.942T>A on transcript NM_001085458.2 (MANE Select); coding-DNA position 942, T replaced by A.
Protein change: p.Pro314=; no amino-acid change (proline 314 retained).
Molecular consequence: synonymous variant. On other transcripts: non-coding transcript variant (1).
Genome position (GRCh38, 1-based): chr11:57,796,978, T>A. VCF-style: chr11-57796978-T-A. GRCh37 (hg19) VCF-style: chr11-57564450-T-A.
Other names: c.942T>A, p.Pro314= (NM_001085459.2, NM_001085460.2, NM_001085461.2 and 3 more transcripts); c.639T>A, p.Pro213= (NM_001085463.2, NM_001085464.2, NM_001085465.2 and 5 more transcripts); c.780T>A, p.Pro260= (NM_001206883.2, NM_001206884.2, NM_001206886.2 and 4 more transcripts).
Identifiers: ClinVar variation 3033143 (VCV003033143.2), dbSNP rs200412123, ClinGen allele CA6010333.